The following is an entry in ClinVar:

ClinVar aggregate classification (germline): Uncertain significance. Review status: criteria provided, multiple submitters, no conflicts (2 of 4 stars). 2 submissions from 2 submitters: Uncertain significance (2). Last evaluated 2024-11-26.

Conditions:
KMT2D-related disorder. Also called: KMT2D-Related Disorders.
Inborn genetic diseases. Identifiers: MedGen C0950123, MeSH D030342.

Submissions (2):

Ambry Genetics
Classification: Uncertain significance for Inborn genetic diseases. Last evaluated: 2024-11-26. Review status: criteria provided, single submitter. Criteria: Ambry Variant Classification Scheme 2023. Collection method: clinical testing. Allele origin: germline.

PreventionGenetics, part of Exact Sciences
Classification: Uncertain significance for KMT2D-related condition. Last evaluated: 2023-09-14. Review status: criteria provided, single submitter. Criteria: ACMG Guidelines, 2015. Collection method: clinical testing. Allele origin: germline.
Comment: The KMT2D c.7210C>T variant is predicted to result in the amino acid substitution p.Pro2404Ser. To our knowledge, this variant has not been reported in the literature or in a large population database, indicating this variant is rare. At this time, the clinical significance of this variant is uncertain due to the absence of conclusive functional and genetic evidence.

NM_003482.4(KMT2D):c.7210C>T (p.Pro2404Ser)

Gene: KMT2D (lysine methyltransferase 2D; minus strand). Cytogenetic location: 12q13.12.
Variant type: single nucleotide variant.
Coding change: c.7210C>T on transcript NM_003482.4 (MANE Select); coding-DNA position 7210, C replaced by T.
Protein change: p.Pro2404Ser; replaces proline 2404 with serine.
Molecular consequence: missense variant.
Genome position (GRCh38, 1-based): chr12:49,040,560, G>A on the plus strand (C>T on the coding strand, the complement: KMT2D is on the minus strand). VCF-style: chr12-49040560-G-A. GRCh37 (hg19) VCF-style: chr12-49434343-G-A.
Other names: short protein forms P2404S.
Identifiers: ClinVar variation 2630723 (VCV002630723.2), dbSNP rs2120530729, ClinGen allele CA384748165.